The following is an entry in ClinVar:

ClinVar aggregate classification (germline): Uncertain significance (1 of 4 stars; one submission).

Conditions:
Autosomal dominant polycystic kidney disease. Identifiers: Orphanet 730, MedGen C0085413, MONDO:0004691.

Allele frequency attached by ClinVar (database versions not stated): gnomAD exomes 0.00001; gnomAD 0.00003; 1000 Genomes Project 30x 0.00016; 1000 Genomes Project 0.00020.

Submission:

Labcorp Genetics (formerly Invitae), Labcorp
Classification: Uncertain significance for Autosomal dominant polycystic kidney disease. Last evaluated: 2025-10-07. Review status: criteria provided, single submitter. Criteria: Invitae Variant Classification Sherloc (09022015). Collection method: clinical testing. Allele origin: germline.
Comment: This sequence change replaces proline, which is neutral and non-polar, with serine, which is neutral and polar, at codon 77 of the PKD2 protein (p.Pro77Ser). This variant is present in population databases (rs546860555, gnomAD 0.002%). This missense change has been observed in individual(s) with autosomal dominant polycystic kidney disease. (PMID: 35778421). ClinVar contains an entry for this variant (Variation ID: 2723073). An algorithm developed to predict the effect of missense changes on protein structure and function (PolyPhen-2) suggests that this variant is likely to be disruptive. In summary, the available evidence is currently insufficient to determine the role of this variant in disease. Therefore, it has been classified as a Variant of Uncertain Significance.

Literature cited by the submitters: PubMed 35778421.

NM_000297.4(PKD2):c.229C>T (p.Pro77Ser)

Genes: PKD2 (polycystin 2, transient receptor potential cation channel; plus strand), LOC129992813 (ATAC-STARR-seq lymphoblastoid silent region 15559; plus strand). Cytogenetic location: 4q22.1.
Variant type: single nucleotide variant.
Coding change: c.229C>T on transcript NM_000297.4 (MANE Select); coding-DNA position 229, C replaced by T.
Protein change: p.Pro77Ser; replaces proline 77 with serine.
Molecular consequence: missense variant. On other transcripts: non-coding transcript variant (1).
Genome position (GRCh38, 1-based): chr4:88,007,962, C>T. VCF-style: chr4-88007962-C-T. GRCh37 (hg19) VCF-style: chr4-88929114-C-T.
Other names: short protein forms P77S.
Identifiers: ClinVar variation 2723073 (VCV002723073.3), dbSNP rs546860555, ClinGen allele CA100873096.